The following is an entry in ClinVar:

NM_000138.5(FBN1):c.4808_4816+3del

Gene: FBN1 (fibrillin 1; minus strand). Cytogenetic location: 15q21.1.
Variant type: Deletion.
Coding change: c.4808_4816+3del on transcript NM_000138.5 (MANE Select); coding-DNA position 4808 through 3 bases into the intron after coding-DNA position 4816, 12 bases deleted (TATTGGAAGGTA).
Molecular consequence: splice donor variant.
Genome position (GRCh38, 1-based): chr15:48,465,787-48,465,798, TACCTTCCAATA deleted on the plus strand (TATTGGAAGGTA on the coding strand, the reverse complement: FBN1 is on the minus strand); deleting any 12 consecutive bases within chr15:48,465,787-48,465,800 gives the same sequence; the c. name uses the placement nearest the transcript's 3' end. VCF-style (leftmost placement, unchanged base first): chr15-48465786-TTACCTTCCAATA-T. GRCh37 (hg19) VCF-style: chr15-48757983-TTACCTTCCAATA-T.
Other names: c.4808_4816+3del (NM_001406716.1).
Identifiers: ClinVar variation 4786680 (VCV004786680.1).
Genomic context (GRCh38, chr15:48,465,786, plus strand): 5'-CATTGTAAATAAACCCAAGGAAATTCAAGTTGTGTGTGCTTTAAGACAAAGGAAACACAA[TTACCTTCCAATA>T]TAACGGTGATAGGATTTGGTCGGAAACCTTCCCCTCCAGGACAAAGAATTTTGTACTCGG-3'

ClinVar aggregate classification (germline): Likely pathogenic (1 of 4 stars; one submission).

Conditions:
Marfan syndrome (MFS). Also called: FBN1-Related Marfan Syndrome; MARFAN SYNDROME, TYPE I; Marfan syndrome type 1; Marfan's syndrome; Marfan syndrome, classic. Identifiers: Orphanet 284963, Orphanet 558, MedGen C0024796, MONDO:0007947, OMIM 154700.
Familial thoracic aortic aneurysm and aortic dissection (TAAD). Also called: Thoracic aortic aneurysms and dissections. Identifiers: Orphanet 91387, MedGen C4707243, MONDO:0019625.

Submission:

Labcorp Genetics (formerly Invitae), Labcorp
Classification: Likely pathogenic for Marfan syndrome; Familial thoracic aortic aneurysm and aortic dissection. Last evaluated: 2025-11-18. Review status: criteria provided, single submitter. Criteria: Invitae Variant Classification Sherloc (09022015). Collection method: clinical testing. Allele origin: germline.
Comment: This variant results in the deletion of part of exon 39 (c.4808_4816+3del) of the FBN1 gene. It is expected to disrupt RNA splicing. Variants that disrupt the donor or acceptor splice site typically lead to a loss of protein function (PMID: 16199547), and loss-of-function variants in FBN1 are known to be pathogenic (PMID: 17657824, 19293843). This variant is not present in population databases (gnomAD no frequency). This variant has been observed in individual(s) with clinical features of Marfan syndrome (internal data). In summary, the currently available evidence indicates that the variant is pathogenic, but additional data are needed to prove that conclusively. Therefore, this variant has been classified as Likely Pathogenic.

Literature cited by the submitters: PubMed 16199547; PubMed 17657824; PubMed 19293843.